The following is an entry in ClinVar:

NM_024422.6(DSC2):c.1342A>G (p.Ser448Gly)

Gene: DSC2 (desmocollin 2; minus strand). Cytogenetic location: 18q12.1.
Variant type: single nucleotide variant.
Coding change: c.1342A>G on transcript NM_024422.6 (MANE Select); coding-DNA position 1342, A replaced by G.
Protein change: p.Ser448Gly; replaces serine 448 with glycine.
Molecular consequence: missense variant.
Genome position (GRCh38, 1-based): chr18:31,080,274, T>C on the plus strand (A>G on the coding strand, the complement: DSC2 is on the minus strand). VCF-style: chr18-31080274-T-C. GRCh37 (hg19) VCF-style: chr18-28660240-T-C.
Other names: c.913A>G, p.Ser305Gly (NM_001406506.1, NM_001406507.1); c.1342A>G, p.Ser448Gly (NM_004949.5); c.1342A>G (NM_024422.3); short protein forms S305G, S448G.
Identifiers: ClinVar variation 3894373 (VCV003894373.2).

ClinVar aggregate classification (germline): Uncertain significance. Review status: criteria provided, multiple submitters, no conflicts (2 of 4 stars). 2 submissions from 2 submitters: Uncertain significance (2). Last evaluated 2026-07-07.

Conditions:
Cardiomyopathy (CMYO). Also called: Cardiomyopathies. Identifiers: Orphanet 167848, MedGen C0878544, MONDO:0004994, HP:0001638. Inheritance: Various modes of inheritance.
Cardiovascular phenotype. Identifiers: MedGen CN230736.

gnomAD v4.1: 6 of 1,614,090 alleles (0.00037%); highest among the groups gnomAD compares: Non-Finnish European, 0.00042%; no homozygotes.

Submissions (2):

Ambry Genetics
Classification: Uncertain significance for Cardiovascular phenotype. Last evaluated: 2026-07-07. Review status: criteria provided, single submitter. Criteria: Ambry Variant Classification Scheme 2023. Collection method: clinical testing. Allele origin: germline.
Comment: The p.S448G variant (also known as c.1342A>G), located in coding exon 10 of the DSC2 gene, results from an A to G substitution at nucleotide position 1342. The serine at codon 448 is replaced by glycine, an amino acid with similar properties. This amino acid position is conserved. In addition, this alteration is predicted to be tolerated by in silico analysis. Based on the available evidence, the clinical significance of this variant remains unclear.

Color Diagnostics, LLC DBA Color Health
Classification: Uncertain significance for Cardiomyopathy. Last evaluated: 2024-09-23. Review status: criteria provided, single submitter. Criteria: ACMG Guidelines, 2015. Collection method: clinical testing. Allele origin: germline.
Comment: This missense variant replaces serine with glycine at codon 448 of the DSC2 protein. Computational prediction suggests that this variant may not impact protein structure and function (internally defined REVEL score threshold <= 0.5, PMID: 27666373). To our knowledge, functional studies have not been reported for this variant. This variant has not been reported in individuals affected with DSC2-related disorders in the literature. This variant has been identified in 3/250974 chromosomes in the general population by the Genome Aggregation Database (gnomAD). The available evidence is insufficient to determine the role of this variant in disease conclusively. Therefore, this variant is classified as a Variant of Uncertain Significance.